The following is an entry in ClinVar:

ClinVar aggregate classification (germline): Uncertain significance (1 of 4 stars; one submission).

Submission:

CeGaT Center for Human Genetics Tuebingen
Classification: Uncertain significance. Last evaluated: 2026-02-01. Review status: criteria provided, single submitter. Criteria: CeGaT Center For Human Genetics Tuebingen Variant Classification Criteria Version 2. Collection method: clinical testing. Allele origin: germline. Affected: yes. Observed: 1 variant allele.
Comment: ARHGEF10: PM2, BP4

NM_014629.4(ARHGEF10):c.136G>A (p.Ala46Thr)

Gene: ARHGEF10 (Rho guanine nucleotide exchange factor 10; plus strand). Cytogenetic location: 8p23.3.
Variant type: single nucleotide variant.
Coding change: c.136G>A on transcript NM_014629.4 (MANE Select); coding-DNA position 136, G replaced by A.
Protein change: p.Ala46Thr; replaces alanine 46 with threonine.
Molecular consequence: missense variant.
Genome position (GRCh38, 1-based): chr8:1,858,058, G>A. VCF-style: chr8-1858058-G-A. GRCh37 (hg19) VCF-style: chr8-1806224-G-A.
Other names: c.136G>A, p.Ala46Thr (NM_001308152.2, NM_001308153.3, NM_001438091.1 and 3 more transcripts); short protein forms A46T, A70T.
Identifiers: ClinVar variation 4823423 (VCV004823423.4).